The following is an entry in ClinVar:

NM_024753.5(TTC21B):c.3017_3029dup (p.Met1011fs)

Gene: TTC21B (tetratricopeptide repeat domain 21B; minus strand). Cytogenetic location: 2q24.3.
Variant type: Duplication.
Coding change: c.3017_3029dup on transcript NM_024753.5 (MANE Select); coding-DNA positions 3017 to 3029, 13 bases duplicated (CAAGATTTTTCTC).
Protein change: p.Met1011fs; shifts the reading frame from methionine 1011.
Molecular consequence: frameshift variant.
Genome position (GRCh38, 1-based): chr2:165,890,910-165,890,922, GAGAAAAATCTTG duplicated on the plus strand (CAAGATTTTTCTC on the coding strand, the reverse complement: TTC21B is on the minus strand); duplicating any 13 consecutive bases within chr2:165,890,910-165,890,923 gives the same sequence; the c. name uses the placement nearest the transcript's 3' end. VCF-style (leftmost placement, unchanged base first): chr2-165890909-T-TGAGAAAAATCTTG. GRCh37 (hg19) VCF-style: chr2-166747419-T-TGAGAAAAATCTTG.
Other names: short protein forms M1011fs.
Identifiers: ClinVar variation 4998115 (VCV004998115.1).

ClinVar aggregate classification (germline): Likely pathogenic (1 of 4 stars; one submission).

Conditions:
TTC21B-related disorder. Also called: TTC21B-related disorders; TTC21B-related condition.

Submission:

PreventionGenetics, part of Exact Sciences
Classification: Likely pathogenic for TTC21B-related condition. Last evaluated: 2025-07-08. Review status: criteria provided, single submitter. Criteria: ACMG Guidelines, 2015. Collection method: clinical testing. Allele origin: germline.
Comment: The TTC21B c.3017_3029dup13 variant is predicted to result in a frameshift and premature protein termination (p.Met1011Lysfs*7). To our knowledge, this variant has not been reported in the literature or in a large population database (gnomAD), indicating this variant is rare. Frameshift variants in TTC21B are expected to be pathogenic. This variant is interpreted as likely pathogenic.